The following is an entry in ClinVar:

ClinVar aggregate classification (germline): Uncertain significance (1 of 4 stars; one submission).

gnomAD v4.1: 5 of 1,614,198 alleles (0.00031%); highest among the groups gnomAD compares: Non-Finnish European, 0.00042%; no homozygotes.

Submission:

GeneDx
Classification: Uncertain significance. Last evaluated: 2026-03-11. Review status: criteria provided, single submitter. Criteria: GeneDx Variant Classification Process June 2021. Collection method: clinical testing. Allele origin: germline.
Comment: Not observed at significant frequency in large population cohorts (gnomAD); In silico analysis suggests that this missense variant does not alter protein structure/function; Has not been previously published as pathogenic or benign to our knowledge

NM_001348768.2(HECW2):c.1086C>G (p.His362Gln)

Gene: HECW2 (HECT, C2 and WW domain containing E3 ubiquitin protein ligase 2; minus strand). Cytogenetic location: 2q32.3.
Variant type: single nucleotide variant.
Coding change: c.1086C>G on transcript NM_001348768.2 (MANE Select); coding-DNA position 1086, C replaced by G.
Protein change: p.His362Gln; replaces histidine 362 with glutamine.
Molecular consequence: missense variant.
Genome position (GRCh38, 1-based): chr2:196,319,804, G>C on the plus strand (C>G on the coding strand, the complement: HECW2 is on the minus strand). VCF-style: chr2-196319804-G-C. GRCh37 (hg19) VCF-style: chr2-197184528-G-C.
Other names: c.18C>G, p.His6Gln (NM_001304840.3); c.1086C>G, p.His362Gln (NM_020760.4); short protein forms H362Q, H6Q.
Identifiers: ClinVar variation 5008850 (VCV005008850.1).
Genomic context (GRCh38, chr2:196,319,804, plus strand): 5'-GGGGGTTCCATCGGCAGCACTGTCCTCAGAAACTGGCCCATTAGAGCACACCTGGCTGTC[G>C]TGATGGCTCCCTGGCATGTCCTCGTCATCGGAAGGGCTACCTAAGTCTCCATTCACAGAA-3'
Protein context (NP_001335697.1, residues 352-372): SDDEDMPGSH[His362Gln]DSQVCSNGPV